The following is an entry in ClinVar:

NM_001267550.2(TTN):c.60266T>C (p.Val20089Ala)

Genes: TTN (titin; minus strand), TTN-AS1 (TTN antisense RNA 1; plus strand). Cytogenetic location: 2q31.2.
Variant type: single nucleotide variant.
Coding change: c.60266T>C on transcript NM_001267550.2 (MANE Select); coding-DNA position 60266, T replaced by C.
Protein change: p.Val20089Ala; replaces valine 20089 with alanine.
Molecular consequence: missense variant.
Genome position (GRCh38, 1-based): chr2:178,591,459, A>G on the plus strand (T>C on the coding strand, the complement: TTN is on the minus strand). VCF-style: chr2-178591459-A-G. GRCh37 (hg19) VCF-style: chr2-179456186-A-G.
Other names: p.Val17521Ala; c.55343T>C, p.Val18448Ala (NM_001256850.1); c.33071T>C, p.Val11024Ala (NM_003319.4); c.52562T>C, p.Val17521Ala (NM_133378.4); c.33446T>C, p.Val11149Ala (NM_133432.3); c.33647T>C, p.Val11216Ala (NM_133437.4); short protein forms V11024A, V20089A, V18448A, V17521A, V11216A, V11149A.
Identifiers: ClinVar variation 264221 (VCV000264221.13), dbSNP rs886039085, ClinGen allele CA10587491.

ClinVar aggregate classification (germline): Uncertain significance. Review status: criteria provided, multiple submitters, no conflicts (2 of 4 stars). 6 submissions from 6 submitters: Uncertain significance (6). Last evaluated 2026-03-22.

Conditions:
Cardiovascular phenotype. Identifiers: MedGen CN230736.
TTN-related disorder. Also called: TTN-related condition; TTN-related disease; TTN-related disorders.
Autosomal recessive limb-girdle muscular dystrophy type 2J (LGMDR10). Also called: MUSCULAR DYSTROPHY, LIMB-GIRDLE, AUTOSOMAL RECESSIVE 10; Limb-girdle muscular dystrophy, type 2J. Identifiers: Orphanet 140922, MedGen C1837342, MONDO:0012127, OMIM 608807.
Hypertrophic cardiomyopathy 9. Also called: Familial hypertrophic cardiomyopathy 9. Identifiers: MedGen C1861065, MONDO:0013412, OMIM 613765.
Early-onset myopathy with fatal cardiomyopathy (CMYO5). Also called: CONGENITAL MYOPATHY 5 WITH CARDIOMYOPATHY; Salih Myopathy. Identifiers: Orphanet 289377, MedGen C2673677, MONDO:0012714, OMIM 611705. Disease mechanism: loss of function.
Dilated cardiomyopathy 1G (CMD1G). Identifiers: Orphanet 154, MedGen C1858763, MONDO:0011400, OMIM 604145.
Myopathy, myofibrillar, 9, with early respiratory failure (MFM9). Also called: Myopathy, distal, with early respiratory failure, autosomal dominant; EDSTROM MYOPATHY; MYOPATHY, PROXIMAL, WITH EARLY RESPIRATORY MUSCLE INVOLVEMENT; Hereditary myopathy with early respiratory failure. Identifiers: Orphanet 178464, Orphanet 34521, MedGen C1863599, MONDO:0011362, OMIM 603689.
Tibial muscular dystrophy (TMD). Also called: Tibial muscular dystrophy, tardive; UDD MYOPATHY; Udd Distal Myopathy – Tibial Muscular Dystrophy. Identifiers: Orphanet 609, MedGen C1838244, MONDO:0010870, OMIM 600334.

Allele frequency attached by ClinVar (database versions not stated): gnomAD 0.00001; gnomAD exomes 0.00002; TOPMed 0.00002.
gnomAD v4.1: 37 of 1,590,480 alleles (0.0023%); highest among the groups gnomAD compares: Middle Eastern, 0.017%; no homozygotes.

Submissions (6):

PreventionGenetics, part of Exact Sciences
Classification: Uncertain significance for TTN-related condition. Last evaluated: 2026-03-22. Review status: criteria provided, single submitter. Criteria: ACMG Guidelines, 2015. Collection method: clinical testing. Allele origin: germline.
Comment: The TTN c.60266T>C variant is predicted to result in the amino acid substitution p.Val20089Ala. This variant has been reported in individual(s) with hypertrophic cardiomyopathy (described as c.52562T>C, p.Val17521Ala in NM_133378) (Table S1, Campuzano et al. 2015. PubMed ID: 26516846; Martínez-Barrios et al. 2022. PubMed ID: 35207729), and in a sudden infant death case with additional cardiac variants (Campuzano et al. 2018. PubMed ID: 30086531). This variant is reported in 0.0068% of alleles in individuals of Latino descent in gnomAD. At this time, the clinical significance of this variant is uncertain due to the absence of conclusive functional and genetic evidence.

Mayo Clinic Laboratories, Mayo Clinic
Classification: Uncertain significance. Last evaluated: 2023-07-11. Review status: criteria provided, single submitter. Criteria: ACMG Guidelines, 2015. Collection method: clinical testing. Allele origin: germline. Observed: 1 variant allele.
Comment: BP4

Fulgent Genetics
Classification: Uncertain significance for Tibial muscular dystrophy; Myopathy, myofibrillar, 9, with early respiratory failure; Dilated cardiomyopathy 1G; Autosomal recessive limb-girdle muscular dystrophy type 2J; Early-onset myopathy with fatal cardiomyopathy; Hypertrophic cardiomyopathy 9. Last evaluated: 2021-10-01. Review status: criteria provided, single submitter. Criteria: ACMG Guidelines, 2015. Collection method: clinical testing. Allele origin: unknown.

Women's Health and Genetics/Laboratory Corporation of America, LabCorp
Classification: Uncertain significance. Last evaluated: 2020-08-10. Review status: criteria provided, single submitter. Criteria: LabCorp Variant Classification Summary - May 2015. Collection method: clinical testing. Allele origin: germline.
Comment: Variant summary: TTN c.52562T>C (p.Val17521Ala) results in a non-conservative amino acid change located in the A-band region of the encoded protein sequence. Three of five in-silico tools predict a damaging effect of the variant on protein function. The variant allele was found at a frequency of 1.8e-05 in 227726 control chromosomes (gnomAD). The available data on variant occurrences in the general population are insufficient to allow any conclusion about variant significance. c.52562T>C has been reported in the literature in an individual affected with Hypertrophic Cardiomyopathy and an infant that died suddenly (Campuzano_2015, 2018). These reports do not provide unequivocal conclusions about association of the variant with Dilated Cardiomyopathy. To our knowledge, no experimental evidence demonstrating an impact on protein function has been reported. Two ClinVar submitters (evaluation after 2014) cite the variant as uncertain significance. Based on the evidence outlined above, the variant was classified as uncertain significance.

Eurofins Ntd Llc (ga)
Classification: Uncertain significance. Last evaluated: 2015-08-27. Review status: criteria provided, single submitter. Criteria: EGL Classification Definitions 2015. Collection method: clinical testing. Allele origin: germline. Observed: 1 variant allele, 1 heterozygote.

Ambry Genetics
Classification: Uncertain significance for Cardiovascular phenotype. Last evaluated: 2015-08-14. Review status: criteria provided, single submitter. Criteria: Ambry Variant Classification Scheme 2023. Collection method: clinical testing. Allele origin: germline.
Comment: The p.V11024A variant (also known as c.33071T>C), located in coding exon 131 of the TTN gene, results from a T to C substitution at nucleotide position 33071. The valine at codon 11024 is replaced by alanine, an amino acid with similar properties. This variant was not reported in population based cohorts in the following databases: Database of Single Nucleotide Polymorphisms (dbSNP), NHLBI Exome Sequencing Project (ESP), and 1000 Genomes Project. In the ESP, this variant was not observed in 6032 samples (12064 alleles) with coverage at this position. This amino acid position is not well conserved in available vertebrate species. In addition, this alteration is predicted to be tolerated by in silico analysis. Since supporting evidence is limited at this time, the clinical significance of this variant remains unclear.

Literature cited by the submitters: PubMed 35207729 (cited by Mayo Clinic Laboratories, Mayo Clinic); PubMed 26516846 (cited by Women's Health and Genetics/Laboratory Corporation of America, LabCorp); PubMed 30086531 (cited by Women's Health and Genetics/Laboratory Corporation of America, LabCorp).